The following is an entry in ClinVar:

ClinVar aggregate classification (germline): Likely benign (1 of 4 stars; one submission).

gnomAD v4.1: 3 of 1,613,970 alleles (0.00019%); highest among the groups gnomAD compares: South Asian, 0.0011%; no homozygotes.

Submission:

CeGaT Center for Human Genetics Tuebingen
Classification: Likely benign. Last evaluated: 2023-02-01. Review status: criteria provided, single submitter. Criteria: CeGaT Center For Human Genetics Tuebingen Variant Classification Criteria Version 2. Collection method: clinical testing. Allele origin: germline. Affected: yes. Observed: 1 variant allele.
Comment: VPS16: BP4, BP7

NM_022575.4(VPS16):c.198C>G (p.Leu66=)

Gene: VPS16 (VPS16 core subunit of CORVET and HOPS complexes; plus strand). Cytogenetic location: 20p13.
Variant type: single nucleotide variant.
Coding change: c.198C>G on transcript NM_022575.4 (MANE Select); coding-DNA position 198, C replaced by G.
Protein change: p.Leu66=; no amino-acid change (leucine 66 retained).
Molecular consequence: synonymous variant.
Genome position (GRCh38, 1-based): chr20:2,860,109, C>G. VCF-style: chr20-2860109-C-G. GRCh37 (hg19) VCF-style: chr20-2840755-C-G.
Other names: c.198C>G, p.Leu66= (NM_080413.3).
Identifiers: ClinVar variation 2652156 (VCV002652156.24), dbSNP rs1409099094, ClinGen allele CA509553287.